The following is an entry in ClinVar:

ClinVar aggregate classification (germline): Uncertain significance. Review status: criteria provided, multiple submitters, no conflicts (2 of 4 stars). 2 submissions from 2 submitters: Uncertain significance (2). Last evaluated 2025-07-10.

gnomAD v4.1: 4 of 1,601,848 alleles (0.00025%); highest among the groups gnomAD compares: African/African-American, 0.0027%; no homozygotes.

Submissions (2):

Mayo Clinic Laboratories, Mayo Clinic
Classification: Uncertain significance. Last evaluated: 2025-07-10. Review status: criteria provided, single submitter. Criteria: ACMG Guidelines, 2015. Collection method: clinical testing. Allele origin: germline. Observed: 1 variant allele.
Comment: BP4_moderate

GeneDx
Classification: Uncertain significance. Last evaluated: 2020-08-12. Review status: criteria provided, single submitter. Criteria: GeneDx Variant Classification Process June 2021. Collection method: clinical testing. Allele origin: germline. Affected: yes.
Comment: Not observed at a significant frequency in large population cohorts (Lek et al., 2016); In silico analysis supports that this missense variant does not alter protein structure/function; Has not been previously published as pathogenic or benign to our knowledge

NM_020433.5(JPH2):c.1851G>C (p.Glu617Asp)

Gene: JPH2 (junctophilin 2; minus strand). Cytogenetic location: 20q13.12.
Variant type: single nucleotide variant.
Coding change: c.1851G>C on transcript NM_020433.5 (MANE Select); coding-DNA position 1851, G replaced by C.
Protein change: p.Glu617Asp; replaces glutamic acid 617 with aspartic acid.
Molecular consequence: missense variant.
Genome position (GRCh38, 1-based): chr20:44,115,824, C>G on the plus strand (G>C on the coding strand, the complement: JPH2 is on the minus strand). VCF-style: chr20-44115824-C-G. GRCh37 (hg19) VCF-style: chr20-42744464-C-G.
Other names: p.Glu617Asp; short protein forms E617D.
Identifiers: ClinVar variation 1304175 (VCV001304175.3), dbSNP rs759468707, ClinGen allele CA9868586.